The following is an entry in ClinVar:

ClinVar aggregate classification (germline): Likely pathogenic (0 of 4 stars; one submission).

Conditions:
Brain small vessel disease 1 with or without ocular anomalies (BSVD1). Also called: BRAIN SMALL VESSEL DISEASE WITH HEMORRHAGE; Brain small vessel disease with or without ocular anomalies; PORENCEPHALY, TYPE 1, AUTOSOMAL DOMINANT; GOULD SYNDROME 1. Identifiers: Orphanet 2940, Orphanet 36383, Orphanet 99810, MedGen C4755307, MONDO:0008289, OMIM 175780.

Submission:

Prenatal Genetic Diagnosis Laboratory, The Chinese University of Hong Kong
Classification: Likely pathogenic for Brain small vessel disease 1 with or without ocular anomalies. Last evaluated: 2021-11-16. Review status: no assertion criteria provided. Collection method: clinical testing. Allele origin: de novo. Affected: yes.
Comment: It is well known that glycine residues in the triple helical domain of collagen peptides are mutational hot spots, and missense changes affecting these glycine residues are commonly reported in patients with COL4A1 gene-related disorders [PMID: 25719457, 27794444] (PM1). This variant is currently absent in the gnomAD database (PM2). Computational evidence support a deleterious effect on the gene product (PP3). It is interpreted as likely pathogenic according to ACMG/AMP guidelines.

Literature cited by the submitters: DOI doi/10.1002/pd.6151.

NM_001845.6(COL4A1):c.2281G>A (p.Gly761Arg)

Gene: COL4A1 (collagen type IV alpha 1 chain; minus strand). Cytogenetic location: 13q34.
Variant type: single nucleotide variant.
Coding change: c.2281G>A on transcript NM_001845.6 (MANE Select); coding-DNA position 2281, G replaced by A.
Protein change: p.Gly761Arg; replaces glycine 761 with arginine.
Molecular consequence: missense variant.
Genome position (GRCh38, 1-based): chr13:110,179,334, C>T on the plus strand (G>A on the coding strand, the complement: COL4A1 is on the minus strand). VCF-style: chr13-110179334-C-T. GRCh37 (hg19) VCF-style: chr13-110831681-C-T.
Other names: short protein forms G761R.
Identifiers: ClinVar variation 1676299 (VCV001676299.3), dbSNP rs2139165606, ClinGen allele CA388668647.